The following is an entry in ClinVar:

NM_000368.5(TSC1):c.2612C>G (p.Ser871Ter)

Gene: TSC1 (TSC complex subunit 1; minus strand). Cytogenetic location: 9q34.13.
Variant type: single nucleotide variant.
Coding change: c.2612C>G on transcript NM_000368.5 (MANE Select); coding-DNA position 2612, C replaced by G.
Protein change: p.Ser871Ter; replaces serine 871 with a stop codon.
Molecular consequence: nonsense.
Genome position (GRCh38, 1-based): chr9:132,900,728, G>C on the plus strand (C>G on the coding strand, the complement: TSC1 is on the minus strand). VCF-style: chr9-132900728-G-C. GRCh37 (hg19) VCF-style: chr9-135776115-G-C.
Other names: c.2609C>G, p.Ser870Ter (NM_001162426.2); c.2459C>G, p.Ser820Ter (NM_001162427.2); c.2249C>G, p.Ser750Ter (NM_001362177.2); short protein forms S820*, S870*, S871*, S750*.
Identifiers: ClinVar variation 1428956 (VCV001428956.6), dbSNP rs1166302175, ClinGen allele CA375369868.
Genomic context (GRCh38, chr9:132,900,728, plus strand): 5'-CTGAAACGCTTTCCCCACTAAGGTCTGGCTCCCGAGCCCTGGCATACCTTTGTGGTATCT[G>C]AGTGCTTGTTCTGCAGTTGTTCCAAATAGAGCTCGTTGACCTCCCCAAGAACCAACAGCT-3'

ClinVar aggregate classification (germline): Pathogenic (1 of 4 stars; one submission).

Conditions:
Tuberous sclerosis 1 (TSC1). Identifiers: Orphanet 805, MedGen C1854465, MONDO:0008612, OMIM 191100.

Submission:

Labcorp Genetics (formerly Invitae), Labcorp
Classification: Pathogenic for Tuberous sclerosis 1. Last evaluated: 2021-02-05. Review status: criteria provided, single submitter. Criteria: Invitae Variant Classification Sherloc (09022015). Collection method: clinical testing. Allele origin: germline.
Comment: This variant has not been reported in the literature in individuals with TSC1-related conditions. For these reasons, this variant has been classified as Pathogenic. This sequence change creates a premature translational stop signal (p.Ser871*) in the TSC1 gene. It is expected to result in an absent or disrupted protein product. Loss-of-function variants in TSC1 are known to be pathogenic (PMID: 10227394, 17304050). This variant is not present in population databases (ExAC no frequency).

Literature cited by the submitters: PubMed 10227394; PubMed 17304050.